The following is an entry in ClinVar:

ClinVar aggregate classification (germline): Likely benign. Review status: criteria provided, multiple submitters, no conflicts (2 of 4 stars). 2 submissions from 2 submitters: Likely benign (2). Last evaluated 2026-06-01.

Conditions:
Inborn genetic diseases. Identifiers: MedGen C0950123, MeSH D030342.

gnomAD v4.1: 133 of 1,610,500 alleles (0.0083%); highest among the groups gnomAD compares: Admixed American, 0.21%; no homozygotes.

Submissions (2):

CeGaT Center for Human Genetics Tuebingen
Classification: Likely benign. Last evaluated: 2026-06-01. Review status: criteria provided, single submitter. Criteria: CeGaT Center For Human Genetics Tuebingen Variant Classification Criteria Version 2. Collection method: clinical testing. Allele origin: germline. Affected: yes. Observed: 2 variant alleles.
Comment: KDM6B: BS1

Ambry Genetics
Classification: Likely benign for Inborn genetic diseases. Last evaluated: 2025-11-19. Review status: criteria provided, single submitter. Criteria: Ambry Variant Classification Scheme 2023. Collection method: clinical testing. Allele origin: germline.

NM_001348716.2(KDM6B):c.2389C>A (p.Pro797Thr)

Gene: KDM6B (lysine demethylase 6B; plus strand). Cytogenetic location: 17p13.1.
Variant type: single nucleotide variant.
Coding change: c.2389C>A on transcript NM_001348716.2 (MANE Select); coding-DNA position 2389, C replaced by A.
Protein change: p.Pro797Thr; replaces proline 797 with threonine.
Molecular consequence: missense variant.
Genome position (GRCh38, 1-based): chr17:7,848,677, C>A. VCF-style: chr17-7848677-C-A. GRCh37 (hg19) VCF-style: chr17-7751995-C-A.
Other names: c.2389C>A, p.Pro797Thr (NM_001080424.2); short protein forms P797T.
Identifiers: ClinVar variation 4622829 (VCV004622829.5).